The following is an entry in ClinVar:

NM_001099274.3(TINF2):c.1302C>A (p.His434Gln)

Gene: TINF2 (TERF1 interacting nuclear factor 2; minus strand). Cytogenetic location: 14q12.
Variant type: single nucleotide variant.
Coding change: c.1302C>A on transcript NM_001099274.3 (MANE Select); coding-DNA position 1302, C replaced by A.
Protein change: p.His434Gln; replaces histidine 434 with glutamine.
Molecular consequence: missense variant. On other transcripts: 3 prime UTR variant (1).
Genome position (GRCh38, 1-based): chr14:24,239,851, G>T on the plus strand (C>A on the coding strand, the complement: TINF2 is on the minus strand). VCF-style: chr14-24239851-G-T. GRCh37 (hg19) VCF-style: chr14-24709057-G-T.
Other names: c.1197C>A, p.His399Gln (NM_001363668.2); c.*564C>A (NM_012461.3); short protein forms H434Q, H399Q.
Identifiers: ClinVar variation 2779978 (VCV002779978.3), dbSNP rs568909774, ClinGen allele CA389219718.

ClinVar aggregate classification (germline): Uncertain significance (1 of 4 stars; one submission).

Conditions:
Dyskeratosis congenita. Identifiers: Orphanet 1775, MedGen C0265965, MONDO:0015780.

gnomAD v4.1: 2 of 1,614,180 alleles (0.00012%); highest among the groups gnomAD compares: African/African-American, 0.0013%; no homozygotes.

Submission:

Labcorp Genetics (formerly Invitae), Labcorp
Classification: Uncertain significance for Dyskeratosis congenita. Last evaluated: 2025-02-07. Review status: criteria provided, single submitter. Criteria: Invitae Variant Classification Sherloc (09022015). Collection method: clinical testing. Allele origin: germline.
Comment: This sequence change replaces histidine, which is basic and polar, with glutamine, which is neutral and polar, at codon 434 of the TINF2 protein (p.His434Gln). This variant is not present in population databases (gnomAD no frequency). This variant has not been reported in the literature in individuals affected with TINF2-related conditions. ClinVar contains an entry for this variant (Variation ID: 2779978). An algorithm developed to predict the effect of missense changes on protein structure and function outputs the following: PolyPhen-2: "Benign". The glutamine amino acid residue is found in multiple mammalian species, which suggests that this missense change does not adversely affect protein function. In summary, the available evidence is currently insufficient to determine the role of this variant in disease. Therefore, it has been classified as a Variant of Uncertain Significance.